The following is an entry in ClinVar:

ClinVar aggregate classification (germline): Uncertain significance. Review status: criteria provided, multiple submitters, no conflicts (2 of 4 stars). 2 submissions from 2 submitters: Uncertain significance (2). Last evaluated 2023-12-15.

Conditions:
Inborn genetic diseases. Identifiers: MedGen C0950123, MeSH D030342.
LAMA2-related muscular dystrophy (LAMA2-RD). Also called: Laminin alpha 2-related dystrophy. Identifiers: MedGen C5679788, MONDO:0100228.

Allele frequency attached by ClinVar (database versions not stated): TOPMed 0.00001.
gnomAD v4.1: 10 of 1,613,662 alleles (0.00062%); highest among the groups gnomAD compares: African/African-American, 0.011%; no homozygotes.

Submissions (2):

Ambry Genetics
Classification: Uncertain significance for Inborn genetic diseases. Last evaluated: 2023-12-15. Review status: criteria provided, single submitter. Criteria: Ambry Variant Classification Scheme 2023. Collection method: clinical testing. Allele origin: germline.

Labcorp Genetics (formerly Invitae), Labcorp
Classification: Uncertain significance for LAMA2-related muscular dystrophy. Last evaluated: 2023-10-03. Review status: criteria provided, single submitter. Criteria: Invitae Variant Classification Sherloc (09022015). Collection method: clinical testing. Allele origin: germline.
Comment: This sequence change replaces aspartic acid, which is acidic and polar, with histidine, which is basic and polar, at codon 2094 of the LAMA2 protein (p.Asp2094His). This variant is present in population databases (no rsID available, gnomAD 0.02%). This variant has not been reported in the literature in individuals affected with LAMA2-related conditions. ClinVar contains an entry for this variant (Variation ID: 855600). Advanced modeling of protein sequence and biophysical properties (such as structural, functional, and spatial information, amino acid conservation, physicochemical variation, residue mobility, and thermodynamic stability) performed at Invitae indicates that this missense variant is not expected to disrupt LAMA2 protein function. In summary, the available evidence is currently insufficient to determine the role of this variant in disease. Therefore, it has been classified as a Variant of Uncertain Significance.

NM_000426.4(LAMA2):c.6280G>C (p.Asp2094His)

Gene: LAMA2 (laminin subunit alpha 2; plus strand). Cytogenetic location: 6q22.33.
Variant type: single nucleotide variant.
Coding change: c.6280G>C on transcript NM_000426.4 (MANE Select); coding-DNA position 6280, G replaced by C.
Protein change: p.Asp2094His; replaces aspartic acid 2094 with histidine.
Molecular consequence: missense variant.
Genome position (GRCh38, 1-based): chr6:129,445,672, G>C. VCF-style: chr6-129445672-G-C. GRCh37 (hg19) VCF-style: chr6-129766817-G-C.
Other names: c.6280G>C, p.Asp2094His (NM_001079823.2); short protein forms D2094H.
Identifiers: ClinVar variation 855600 (VCV000855600.10), dbSNP rs768846392, ClinGen allele CA146919410.
Genomic context (GRCh38, chr6:129,445,672, plus strand): 5'-TGTGTGTGCACGTGTGTGCATGCATATACATGCACACTAATTTTGTTCTATGCAGTTGCC[G>C]ATGCAGATGCCACTGTCAAAAATTTAGAACAGGAAGCTGACCGGCTAATAGATAAACTCA-3'
Protein context (NP_000417.3, residues 2084-2104): KDPSKNKIIA[Asp2094His]ADATVKNLEQ